The following is an entry in ClinVar:

NM_018723.4(RBFOX1):c.290C>T (p.Pro97Leu)

Genes: RBFOX1 (RNA binding fox-1 homolog 1; plus strand), LOC126862278 (CDK7 strongly-dependent group 2 enhancer GRCh37_chr16:7629446-7630645; plus strand). Cytogenetic location: 16p13.3.
Variant type: single nucleotide variant.
Coding change: c.290C>T on transcript NM_018723.4 (MANE Select); coding-DNA position 290, C replaced by T.
Protein change: p.Pro97Leu; replaces proline 97 with leucine.
Molecular consequence: missense variant.
Genome position (GRCh38, 1-based): chr16:7,579,796, C>T. VCF-style: chr16-7579796-C-T. GRCh37 (hg19) VCF-style: chr16-7629798-C-T.
Other names: c.290C>T, p.Pro97Leu (NM_001142333.2, NM_001142334.2, NM_001364800.2); c.419C>T, p.Pro140Leu (NM_001308117.1); c.350C>T, p.Pro117Leu (NM_145891.3, NM_145892.3, NM_145893.3); short protein forms P117L, P97L, P140L.
Identifiers: ClinVar variation 565813 (VCV000565813.17), dbSNP rs139251660, ClinGen allele CA7891429.

ClinVar aggregate classification (germline): Conflicting classifications of pathogenicity. Review status: criteria provided, conflicting classifications (1 of 4 stars). 2 submissions from 2 submitters: Uncertain significance (1); Likely benign (1). Last evaluated 2025-12-01.

Conditions:
Idiopathic generalized epilepsy. Also called: Generalised epilepsy; EIG. Identifiers: MedGen C0270850, MONDO:0005579, OMIM 600669.

Allele frequency attached by ClinVar (database versions not stated): ESP Exome Variant Server 0.00008; 1000 Genomes Project 30x 0.00016; TOPMed 0.00016; 1000 Genomes Project 0.00020; gnomAD 0.00022.
gnomAD v4.1: 364 of 1,613,996 alleles (0.023%); highest among the groups gnomAD compares: Non-Finnish European, 0.029%; no homozygotes.

Submissions (2):

CeGaT Center for Human Genetics Tuebingen
Classification: Likely benign. Last evaluated: 2025-12-01. Review status: criteria provided, single submitter. Criteria: CeGaT Center For Human Genetics Tuebingen Variant Classification Criteria Version 2. Collection method: clinical testing. Allele origin: germline. Affected: yes. Observed: 1 variant allele.
Comment: RBFOX1: BP4

Labcorp Genetics (formerly Invitae), Labcorp
Classification: Uncertain significance for Idiopathic generalized epilepsy. Last evaluated: 2025-07-27. Review status: criteria provided, single submitter. Criteria: Invitae Variant Classification Sherloc (09022015). Collection method: clinical testing. Allele origin: germline.
Comment: This sequence change replaces proline, which is neutral and non-polar, with leucine, which is neutral and non-polar, at codon 117 of the RBFOX1 protein (p.Pro117Leu). This variant is present in population databases (rs139251660, gnomAD 0.03%). This variant has not been reported in the literature in individuals affected with RBFOX1-related conditions. ClinVar contains an entry for this variant (Variation ID: 565813). Invitae Evidence Modeling of protein sequence and biophysical properties (such as structural, functional, and spatial information, amino acid conservation, physicochemical variation, residue mobility, and thermodynamic stability) indicates that this missense variant is not expected to disrupt RBFOX1 protein function with a negative predictive value of 80%. In summary, the available evidence is currently insufficient to determine the role of this variant in disease. Therefore, it has been classified as a Variant of Uncertain Significance.